The following is an entry in ClinVar:

ClinVar aggregate classification (germline): Uncertain significance. Review status: criteria provided, multiple submitters, no conflicts (2 of 4 stars). 3 submissions from 3 submitters: Uncertain significance (3). Last evaluated 2025-04-23.

Conditions:
Nemaline myopathy 2 (NEM2). Also called: Nemaline myopathy 2, autosomal recessive. Identifiers: MedGen C1850569, MONDO:0009725, OMIM 256030.

Allele frequency attached by ClinVar (database versions not stated): gnomAD 0.00001 and below 0.00001; TOPMed 0.00001; gnomAD exomes 0.00002 and below 0.00001.
gnomAD v4.1: 31 of 1,613,470 alleles (0.0019%); highest among the groups gnomAD compares: Non-Finnish European, 0.0025%; no homozygotes.

Submissions (3):

Labcorp Genetics (formerly Invitae), Labcorp
Classification: Uncertain significance for Nemaline myopathy 2. Last evaluated: 2025-04-23. Review status: criteria provided, single submitter. Criteria: Invitae Variant Classification Sherloc (09022015). Collection method: clinical testing. Allele origin: germline.
Comment: This sequence change replaces glutamic acid, which is acidic and polar, with glycine, which is neutral and non-polar, at codon 6904 of the NEB protein (p.Glu6904Gly). This variant is present in population databases (no rsID available, gnomAD 0.0009%). This variant has not been reported in the literature in individuals affected with NEB-related conditions. ClinVar contains an entry for this variant (Variation ID: 331429). Experimental studies and prediction algorithms are not available or were not evaluated, and the functional significance of this variant is currently unknown. In summary, the available evidence is currently insufficient to determine the role of this variant in disease. Therefore, it has been classified as a Variant of Uncertain Significance.

Illumina Laboratory Services, Illumina
Classification: Uncertain significance for Nemaline myopathy 2. Last evaluated: 2018-01-13. Review status: criteria provided, single submitter. Criteria: ICSL Variant Classification Criteria 13 December 2019. Collection method: clinical testing. Allele origin: germline.

Mayo Clinic Laboratories, Mayo Clinic
Classification: Uncertain significance for Nemaline myopathy 2. Last evaluated: 2017-03-06. Review status: criteria provided, single submitter. Criteria: ACMG Guidelines, 2015. Collection method: clinical testing. Allele origin: maternal.

NM_001164508.2(NEB):c.20711A>G (p.Glu6904Gly)

Gene: NEB (nebulin; minus strand). Cytogenetic location: 2q23.3.
Variant type: single nucleotide variant.
Coding change: c.20711A>G on transcript NM_001164508.2 (MANE Select); coding-DNA position 20711, A replaced by G.
Protein change: p.Glu6904Gly; replaces glutamic acid 6904 with glycine.
Molecular consequence: missense variant.
Genome position (GRCh38, 1-based): chr2:151,540,773, T>C on the plus strand (A>G on the coding strand, the complement: NEB is on the minus strand). VCF-style: chr2-151540773-T-C. GRCh37 (hg19) VCF-style: chr2-152397287-T-C.
Other names: c.20711A>G, p.Glu6904Gly (NM_001164507.2, NM_001271208.2); c.15608A>G, p.Glu5203Gly (NM_004543.5); short protein forms E5203G, E6904G.
Identifiers: ClinVar variation 331429 (VCV000331429.10), dbSNP rs886054930, ClinGen allele CA10611331.